The following is an entry in ClinVar:

NM_000127.3(EXT1):c.373G>T (p.Glu125Ter)

Gene: EXT1 (exostosin glycosyltransferase 1; minus strand). Cytogenetic location: 8q24.11.
Variant type: single nucleotide variant.
Coding change: c.373G>T on transcript NM_000127.3 (MANE Select); coding-DNA position 373, G replaced by T.
Protein change: p.Glu125Ter; replaces glutamic acid 125 with a stop codon.
Molecular consequence: nonsense.
Genome position (GRCh38, 1-based): chr8:118,110,674, C>A on the plus strand (G>T on the coding strand, the complement: EXT1 is on the minus strand). VCF-style: chr8-118110674-C-A. GRCh37 (hg19) VCF-style: chr8-119122913-C-A.
Other names: short protein forms E125*.
Identifiers: ClinVar variation 2136705 (VCV002136705.4), dbSNP rs1817881722, ClinGen allele CA371915996.
Genomic context (GRCh38, chr8:118,110,674, plus strand): 5'-TGTAGAACCTGGAGCCCTCGATGGCCGCTAGAATGTTTTGGTAACTTTCGGCGATTTTCT[C>A]CCCTTTTTGCTGTGGGTATACGTAGACTTTGAAGCCGTTTTTCTTGCAAAGGGTGAAATC-3'

ClinVar aggregate classification (germline): Pathogenic (1 of 4 stars; one submission).

Conditions:
Multiple congenital exostosis (EXT). Also called: MULTIPLE CARTILAGINOUS EXOSTOSES; Hereditary multiple exostoses; Hereditary multiple exostosis; Multiple exostoses; Multiple osteochondromas; Hereditary multiple osteochondromas. Identifiers: Orphanet 321, MedGen C0015306, MONDO:0005508, HP:0002762.

Submission:

Labcorp Genetics (formerly Invitae), Labcorp
Classification: Pathogenic for Multiple congenital exostosis. Last evaluated: 2022-05-04. Review status: criteria provided, single submitter. Criteria: Invitae Variant Classification Sherloc (09022015). Collection method: clinical testing. Allele origin: germline.
Comment: This sequence change creates a premature translational stop signal (p.Glu125*) in the EXT1 gene. It is expected to result in an absent or disrupted protein product. Loss-of-function variants in EXT1 are known to be pathogenic (PMID: 10679937, 11391482, 19810120). This variant is not present in population databases (gnomAD no frequency). This variant has not been reported in the literature in individuals affected with EXT1-related conditions. For these reasons, this variant has been classified as Pathogenic.

Literature cited by the submitters: PubMed 10679937; PubMed 11391482; PubMed 19810120.